The following is an entry in ClinVar:

ClinVar aggregate classification (germline): Conflicting classifications of pathogenicity. Review status: criteria provided, conflicting classifications (1 of 4 stars). 4 submissions from 4 submitters: Uncertain significance (3); Likely benign (1). Last evaluated 2026-06-16.

Conditions:
Curry-Hall syndrome (WAD). Also called: WEYERS ACRODENTAL DYSOSTOSIS. Identifiers: Orphanet 952, MedGen C0457013, MONDO:0008673, OMIM 193530.
Ellis-van Creveld syndrome (EVC). Also called: MESOECTODERMAL DYSPLASIA; Chondroectodermal dysplasia. Identifiers: Orphanet 289, MedGen C0013903, MONDO:0009162, OMIM 225500.
Inborn genetic diseases. Identifiers: MedGen C0950123, MeSH D030342.

Allele frequency attached by ClinVar (database versions not stated): gnomAD 0.00009 and 0.00011; TOPMed 0.00012; 1000 Genomes Project 30x 0.00016.
gnomAD v4.1: 20 of 1,040,224 alleles (0.0019%); highest among the groups gnomAD compares: African/African-American, 0.029%; no homozygotes.

Submissions (4):

Women's Health and Genetics/Laboratory Corporation of America, LabCorp
Classification: Uncertain significance. Last evaluated: 2026-06-16. Review status: criteria provided, single submitter. Criteria: LabCorp Variant Classification Summary - May 2015. Collection method: clinical testing. Allele origin: germline.
Comment: Variant summary: EVC c.77C>T (p.Ala26Val) results in a non-conservative amino acid change in the encoded protein sequence. Algorithms developed to predict the effect of missense changes on protein structure and function are either unavailable or do not agree on the potential impact of this missense change. The frequency data for this variant in gnomAD is considered unreliable, as metrics indicate poor data quality at this position. To our knowledge, no occurrence of c.77C>T in individuals affected with EVC-related conditions and no experimental evidence demonstrating its impact on protein function have been reported. ClinVar contains an entry for this variant (Variation ID: 1343021). Based on the evidence outlined above, the variant was classified as uncertain significance.

Ambry Genetics
Classification: Uncertain significance for Inborn genetic diseases. Last evaluated: 2025-05-28. Review status: criteria provided, single submitter. Criteria: Ambry Variant Classification Scheme 2023. Collection method: clinical testing. Allele origin: germline.

Labcorp Genetics (formerly Invitae), Labcorp
Classification: Likely benign for Curry-Hall syndrome; Ellis-van Creveld syndrome. Last evaluated: 2025-05-18. Review status: criteria provided, single submitter. Criteria: Invitae Variant Classification Sherloc (09022015). Collection method: clinical testing. Allele origin: germline.

GeneDx
Classification: Uncertain significance. Last evaluated: 2022-03-02. Review status: criteria provided, single submitter. Criteria: GeneDx Variant Classification Process June 2021. Collection method: clinical testing. Allele origin: germline. Affected: yes.
Comment: In silico analysis supports that this missense variant does not alter protein structure/function; Has not been previously published as pathogenic or benign to our knowledge

NM_153717.3(EVC):c.77C>T (p.Ala26Val)

Gene: EVC (EvC ciliary complex subunit 1; plus strand). Cytogenetic location: 4p16.2.
Variant type: single nucleotide variant.
Coding change: c.77C>T on transcript NM_153717.3 (MANE Select); coding-DNA position 77, C replaced by T.
Protein change: p.Ala26Val; replaces alanine 26 with valine.
Molecular consequence: missense variant.
Genome position (GRCh38, 1-based): chr4:5,711,457, C>T. VCF-style: chr4-5711457-C-T. GRCh37 (hg19) VCF-style: chr4-5713184-C-T.
Other names: c.77C>T, p.Ala26Val (NM_001306090.2, NM_001306092.2); short protein forms A26V.
Identifiers: ClinVar variation 1343021 (VCV001343021.8), dbSNP rs1035520087, ClinGen allele CA91734916.